The following is an entry in ClinVar:

ClinVar aggregate classification (germline): Uncertain significance (1 of 4 stars; one submission).

gnomAD v4.1: 1 of 397,527 alleles (0.00025%); highest among the groups gnomAD compares: Non-Finnish European, 0.00035%; no homozygotes.

Submission:

CeGaT Center for Human Genetics Tuebingen
Classification: Uncertain significance. Last evaluated: 2026-09-01. Review status: criteria provided, single submitter. Criteria: CeGaT Center For Human Genetics Tuebingen Variant Classification Criteria Version 2. Collection method: clinical testing. Allele origin: germline. Affected: yes. Observed: 1 variant allele.
Comment: USP9Y: PM2

NM_004654.4(USP9Y):c.1777C>T (p.Arg593Ter)

Gene: USP9Y (ubiquitin specific peptidase 9 Y-linked; plus strand). Cytogenetic location: Yq11.221.
Variant type: single nucleotide variant.
Coding change: c.1777C>T on transcript NM_004654.4 (MANE Select); coding-DNA position 1777, C replaced by T.
Protein change: p.Arg593Ter; replaces arginine 593 with a stop codon.
Molecular consequence: nonsense.
Genome position (GRCh38, 1-based): chrY:12,760,494, C>T. VCF-style: chrY-12760494-C-T. GRCh37 (hg19) VCF-style: chrY-14872424-C-T.
Other names: short protein forms R593*.
Identifiers: ClinVar variation 5041593 (VCV005041593.1).
Genomic context (GRCh38, chrY:12,760,494, plus strand): 5'-ATAGCAATTTTCATGTGCCTTATTATACTGTTAAGTTCTTCTTATTTCAGTCAAACTCAG[C>T]GAAGTCCCCACATATTTTATCGCCATGATTTAATCAACCAGCTTCAACAAAATCATGCTT-3'